The following is an entry in ClinVar:

NM_058216.3(RAD51C):c.17T>G (p.Phe6Cys)

Gene: RAD51C (RAD51 paralog C; plus strand). Cytogenetic location: 17q22.
Variant type: single nucleotide variant.
Coding change: c.17T>G on transcript NM_058216.3 (MANE Select); coding-DNA position 17, T replaced by G.
Protein change: p.Phe6Cys; replaces phenylalanine 6 with cysteine.
Molecular consequence: missense variant. On other transcripts: non-coding transcript variant (2).
Genome position (GRCh38, 1-based): chr17:58,692,660, T>G. VCF-style: chr17-58692660-T-G. GRCh37 (hg19) VCF-style: chr17-56770021-T-G.
Other names: c.17T>G, p.Phe6Cys (NM_002876.4); c.17T>G (NM_058216.1); short protein forms F6C.
Identifiers: ClinVar variation 1347953 (VCV001347953.10), dbSNP rs771332058, ClinGen allele CA400336224.

ClinVar aggregate classification (germline): Uncertain significance. Review status: criteria provided, multiple submitters, no conflicts (2 of 4 stars). 3 submissions from 3 submitters: Uncertain significance (3). Last evaluated 2026-10-01.

Conditions:
Hereditary cancer-predisposing syndrome. Also called: Hereditary Cancer Syndrome; Hereditary neoplastic syndrome; Tumor predisposition; Neoplastic Syndromes, Hereditary. Identifiers: Orphanet 140162, MedGen C0027672, MeSH D009386, MONDO:0015356.
Fanconi anemia complementation group O. Also called: RAD51C-Related Fanconi Anemia. Identifiers: Orphanet 84, MedGen C3150653, MONDO:0013248, OMIM 613390.
Breast-ovarian cancer, familial, susceptibility to, 3. Also called: RAD51C-Related Breast/Ovarian Cancer. Identifiers: Orphanet 145, MedGen C3150659, MONDO:0013253, OMIM 613399.

Submissions (3):

St. Jude Molecular Pathology, St. Jude Children's Research Hospital
Classification: Uncertain significance for Breast-ovarian cancer, familial, susceptibility to, 3. Last evaluated: 2026-10-01. Review status: criteria provided, single submitter. Criteria: St. Jude Assertion Criteria 2020. Collection method: clinical testing. Allele origin: germline.
Comment: The RAD51C c.17T>G p.(Phe6Cys) missense change is absent in gnomAD v2.1.1. The in silic o tool REVEL predicts a benign effect on protein function, but to our knowledge this prediction has not been confirmed by functional studies. To our knowledge, this variant has not been reported as pathogenic in individuals with RAD51C- associated condit ions. In summary, the evidence currently available is insufficient to determine the clinical significance of this variant. It has therefore been classified as of uncertain significance.

Ambry Genetics
Classification: Uncertain significance for Hereditary cancer-predisposing syndrome. Last evaluated: 2025-01-09. Review status: criteria provided, single submitter. Criteria: Ambry Variant Classification Scheme 2023. Collection method: clinical testing. Allele origin: germline.
Comment: The p.F6C variant (also known as c.17T>G), located in coding exon 1 of the RAD51C gene, results from a T to G substitution at nucleotide position 17. The phenylalanine at codon 6 is replaced by cysteine, an amino acid with highly dissimilar properties. This amino acid position is conserved. In addition, this alteration is predicted to be tolerated by in silico analysis. Based on the available evidence, the clinical significance of this variant remains unclear.

Labcorp Genetics (formerly Invitae), Labcorp
Classification: Uncertain significance for Fanconi anemia complementation group O. Last evaluated: 2021-04-23. Review status: criteria provided, single submitter. Criteria: Invitae Variant Classification Sherloc (09022015). Collection method: clinical testing. Allele origin: germline.
Comment: This sequence change replaces phenylalanine with cysteine at codon 6 of the RAD51C protein (p.Phe6Cys). The phenylalanine residue is weakly conserved and there is a large physicochemical difference between phenylalanine and cysteine. This variant is not present in population databases (ExAC no frequency). This variant has not been reported in the literature in individuals with RAD51C-related conditions. Algorithms developed to predict the effect of missense changes on protein structure and function output the following: SIFT: "Tolerated"; PolyPhen-2: "Benign"; Align-GVGD: "Class C0". The cysteine amino acid residue is found in multiple mammalian species, suggesting that this missense change does not adversely affect protein function. These predictions have not been confirmed by published functional studies and their clinical significance is uncertain. In summary, the available evidence is currently insufficient to determine the role of this variant in disease. Therefore, it has been classified as a Variant of Uncertain Significance.